The following is an entry in ClinVar:

NM_206933.4(USH2A):c.1409_1419del (p.Phe470fs)

Gene: USH2A (usherin; minus strand). Cytogenetic location: 1q41.
Variant type: Deletion.
Coding change: c.1409_1419del on transcript NM_206933.4 (MANE Select); coding-DNA positions 1409 to 1419, 11 bases deleted (TCTATAATACC).
Protein change: p.Phe470fs; shifts the reading frame from phenylalanine 470.
Molecular consequence: frameshift variant.
Genome position (GRCh38, 1-based): chr1:216,323,605-216,323,615, GGTATTATAGA deleted on the plus strand (TCTATAATACC on the coding strand, the reverse complement: USH2A is on the minus strand). VCF-style (leftmost placement, unchanged base first): chr1-216323604-GGGTATTATAGA-G. GRCh37 (hg19) VCF-style: chr1-216496946-GGGTATTATAGA-G.
Other names: c.1409_1419del, p.Phe470fs (NM_007123.6); short protein forms F470fs.
Identifiers: ClinVar variation 4817098 (VCV004817098.3).

ClinVar aggregate classification (germline): Pathogenic/Likely pathogenic. Review status: criteria provided, multiple submitters, no conflicts (2 of 4 stars). 3 submissions from 3 submitters: Pathogenic (1); Likely pathogenic (2). Last evaluated 2025-07-28.

Conditions:
USH2A-related disorder. Also called: USH2A-related condition; USH2A-related disorders. Identifiers: MedGen CN239332.
Usher syndrome type 2A. Also called: RETINAL DISEASE IN USHER SYNDROME TYPE IIA, MODIFIER OF; USHER SYNDROME, TYPE IIA. Identifiers: Orphanet 231178, Orphanet 886, MedGen C1848634, MONDO:0010169, OMIM 276901.

Submissions (3):

Natera, Inc.
Classification: Likely pathogenic for Usher syndrome type 2A. Last evaluated: 2025-07-28. Review status: criteria provided, single submitter. Criteria: Natera Variant Classification Schema (03/2026). Collection method: clinical testing. Allele origin: germline.
Comment: The c.1409_1419delTCTATAATACC variant in USH2A is a frameshift variant predicted to shift the reading frame beginning at codon 470 and leads to a stop codon 24 codons downstream. This variant is expected to result in nonsense mediated decay, truncation, or a dysfunctional protein product. This variant is rare in the general population with a frequency below the threshold expected for the associated phenotype(s). Given the available evidence, this variant is classified as Likely Pathogenic.

Myriad Genetics, Inc.
Classification: Pathogenic for USH2A-related disorder. Last evaluated: 2025-06-09. Review status: criteria provided, single submitter. Criteria: Myriad Autosomal Dominant, Autosomal Recessive and X-Linked Classification Criteria (2023). Collection method: clinical testing. Allele origin: unknown.
Comment: NM_206933.2(USH2A):c.1409_1419del11(F470Sfs*24) is expected to be pathogenic in the context of USH2A-related disorders. This variant is predicted to lead to an abnormal or absent protein product due to the creation of a premature termination codon in USH2A, a gene where loss-of-function variants are known to be pathogenic. Please note: this variant was assessed in the context of healthy population screening.

Blueprint Genetics
Classification: Likely pathogenic for USH2A-related disorders. Last evaluated: 2018-12-14. Review status: criteria provided, single submitter. Criteria: ACMG Guidelines, 2015. Collection method: clinical testing. Allele origin: germline. Affected: yes. Observed: 2 variant alleles.